The following is an entry in ClinVar:

NM_024408.4(NOTCH2):c.3640C>T (p.Pro1214Ser)

Gene: NOTCH2 (notch receptor 2; minus strand). Cytogenetic location: 1p12.
Variant type: single nucleotide variant.
Coding change: c.3640C>T on transcript NM_024408.4 (MANE Select); coding-DNA position 3640, C replaced by T.
Protein change: p.Pro1214Ser; replaces proline 1214 with serine.
Molecular consequence: missense variant.
Genome position (GRCh38, 1-based): chr1:119,935,487, G>A on the plus strand (C>T on the coding strand, the complement: NOTCH2 is on the minus strand). VCF-style: chr1-119935487-G-A. GRCh37 (hg19) VCF-style: chr1-120478110-G-A.
Other names: c.3640C>T (NM_024408.3); c.3640C>T, p.Pro1214Ser (NM_001200001.2); short protein forms P1214S.
Identifiers: ClinVar variation 3707967 (VCV003707967.4).

ClinVar aggregate classification (germline): Uncertain significance. Review status: criteria provided, multiple submitters, no conflicts (2 of 4 stars). 3 submissions from 3 submitters: Uncertain significance (3). Last evaluated 2025-10-13.

Conditions:
NOTCH2-related disorder. Also called: NOTCH2-related condition.
Hajdu-Cheney syndrome (HJCYS). Also called: SERPENTINE FIBULA-POLYCYSTIC KIDNEY SYNDROME; ACROOSTEOLYSIS WITH OSTEOPOROSIS AND CHANGES IN SKULL AND MANDIBLE; Acroosteolysis dominant type. Identifiers: Orphanet 955, MedGen C0917715, MONDO:0007057, OMIM 102500.

gnomAD v4.1: 14 of 1,614,052 alleles (0.00087%); highest among the groups gnomAD compares: African/African-American, 0.0013%; no homozygotes.

Submissions (3):

PreventionGenetics, part of Exact Sciences
Classification: Uncertain significance for NOTCH2-related condition. Last evaluated: 2025-10-13. Review status: criteria provided, single submitter. Criteria: ACMG Guidelines, 2015. Collection method: clinical testing. Allele origin: germline.
Comment: The NOTCH2 c.3640C>T variant is predicted to result in the amino acid substitution p.Pro1214Ser. To our knowledge, this variant has not been reported in the literature. This variant is reported in 0.0018% of alleles in individuals of European (Non-Finnish) descent in gnomAD. At this time, the clinical significance of this variant is uncertain due to the absence of conclusive functional and genetic evidence.

GeneDx
Classification: Uncertain significance. Last evaluated: 2025-05-27. Review status: criteria provided, single submitter. Criteria: GeneDx Variant Classification Process June 2021. Collection method: clinical testing. Allele origin: germline. Affected: yes.
Comment: In silico analysis supports that this missense variant has a deleterious effect on protein structure/function; Has not been previously published as pathogenic or benign to our knowledge

Labcorp Genetics (formerly Invitae), Labcorp
Classification: Uncertain significance for Hajdu-Cheney syndrome. Last evaluated: 2024-12-17. Review status: criteria provided, single submitter. Criteria: Invitae Variant Classification Sherloc (09022015). Collection method: clinical testing. Allele origin: germline.
Comment: This sequence change replaces proline, which is neutral and non-polar, with serine, which is neutral and polar, at codon 1214 of the NOTCH2 protein (p.Pro1214Ser). This variant is present in population databases (no rsID available, gnomAD 0.002%). This variant has not been reported in the literature in individuals affected with NOTCH2-related conditions. Invitae Evidence Modeling of protein sequence and biophysical properties (such as structural, functional, and spatial information, amino acid conservation, physicochemical variation, residue mobility, and thermodynamic stability) indicates that this missense variant is expected to disrupt NOTCH2 protein function with a positive predictive value of 80%. In summary, the available evidence is currently insufficient to determine the role of this variant in disease. Therefore, it has been classified as a Variant of Uncertain Significance.